The following is an entry in ClinVar:

NM_020831.6(MRTFA):c.2329G>A (p.Asp777Asn)

Gene: MRTFA (myocardin related transcription factor A; minus strand). Cytogenetic location: 22q13.1.
Variant type: single nucleotide variant.
Coding change: c.2329G>A on transcript NM_020831.6 (MANE Select); coding-DNA position 2329, G replaced by A.
Protein change: p.Asp777Asn; replaces aspartic acid 777 with asparagine.
Molecular consequence: missense variant.
Genome position (GRCh38, 1-based): chr22:40,418,409, C>T on the plus strand (G>A on the coding strand, the complement: MRTFA is on the minus strand). VCF-style: chr22-40418409-C-T. GRCh37 (hg19) VCF-style: chr22-40814413-C-T.
Other names: c.2029G>A, p.Asp677Asn (NM_001282660.2); c.2179G>A, p.Asp727Asn (NM_001282661.3); c.2329G>A, p.Asp777Asn (NM_001282662.3); c.2134G>A, p.Asp712Asn (NM_001318139.2); c.2029G>A (NM_020831.3); short protein forms D712N, D677N, D727N, D777N.
Identifiers: ClinVar variation 1967178 (VCV001967178.6), dbSNP rs538086886, ClinGen allele CA10249369.
Genomic context (GRCh38, chr22:40,418,409, plus strand): 5'-CCCGGTTCCTCCCATACCCAGGTACCTGCTGGGGGCTCCCACTGGACAGGCCAGGGCTGT[C>T]TGCATTCTTATTGGTCACGGTGAGGACAAGGTGGGTCCCTGTGGAGTCGGTGATGAGGGT-3'
Protein context (NP_065882.2, residues 767-787): LVLTVTNKNA[Asp777Asn]SPGLSSGSPQ

ClinVar aggregate classification (germline): Uncertain significance. Review status: criteria provided, multiple submitters, no conflicts (2 of 4 stars). 2 submissions from 2 submitters: Uncertain significance (2). Last evaluated 2025-05-09.

Allele frequency attached by ClinVar (database versions not stated): gnomAD exomes 0.00006; 1000 Genomes Project 30x 0.00016; ExAC 0.00017; 1000 Genomes Project 0.00020.
gnomAD v4.1: 103 of 1,614,062 alleles (0.0064%); highest among the groups gnomAD compares: South Asian, 0.096%; 2 homozygotes.

Submissions (2):

Labcorp Genetics (formerly Invitae), Labcorp
Classification: Uncertain significance. Last evaluated: 2025-05-09. Review status: criteria provided, single submitter. Criteria: Invitae Variant Classification Sherloc (09022015). Collection method: clinical testing. Allele origin: germline.
Comment: This sequence change replaces aspartic acid, which is acidic and polar, with asparagine, which is neutral and polar, at codon 677 of the MKL1 protein (p.Asp677Asn). This variant is present in population databases (rs538086886, gnomAD 0.1%), and has an allele count higher than expected for a pathogenic variant. This variant has not been reported in the literature in individuals affected with MKL1-related conditions. ClinVar contains an entry for this variant (Variation ID: 1967178). An algorithm developed to predict the effect of missense changes on protein structure and function (PolyPhen-2) suggests that this variant is likely to be disruptive. In summary, the available evidence is currently insufficient to determine the role of this variant in disease. Therefore, it has been classified as a Variant of Uncertain Significance.

Ambry Genetics
Classification: Uncertain significance. Last evaluated: 2023-12-21. Review status: criteria provided, single submitter. Criteria: Ambry Variant Classification Scheme 2023. Collection method: clinical testing. Allele origin: germline.